The following is an entry in ClinVar:

ClinVar aggregate classification (germline): Uncertain significance (1 of 4 stars; one submission).

Conditions:
DOCK2 deficiency. Also called: Immunodeficiency 40. Identifiers: Orphanet 447737, MedGen C4225328, MONDO:0014637, OMIM 616433.

Allele frequency attached by ClinVar (database versions not stated): ExAC 0.00001; gnomAD 0.00001 and 0.00002; gnomAD exomes 0.00001.
gnomAD v4.1: 27 of 1,613,304 alleles (0.0017%); highest among the groups gnomAD compares: Non-Finnish European, 0.0019%; no homozygotes.

Submission:

Labcorp Genetics (formerly Invitae), Labcorp
Classification: Uncertain significance for DOCK2 deficiency. Last evaluated: 2021-08-25. Review status: criteria provided, single submitter. Criteria: Invitae Variant Classification Sherloc (09022015). Collection method: clinical testing. Allele origin: germline.
Comment: This sequence change replaces serine with arginine at codon 1659 of the DOCK2 protein (p.Ser1659Arg). The serine residue is weakly conserved and there is a moderate physicochemical difference between serine and arginine. This variant is present in population databases (rs779372773, ExAC 0.002%). This variant has not been reported in the literature in individuals affected with DOCK2-related conditions. Algorithms developed to predict the effect of missense changes on protein structure and function (SIFT, PolyPhen-2, Align-GVGD) all suggest that this variant is likely to be tolerated. In summary, the available evidence is currently insufficient to determine the role of this variant in disease. Therefore, it has been classified as a Variant of Uncertain Significance.

NM_004946.3(DOCK2):c.4977C>G (p.Ser1659Arg)

Gene: DOCK2 (dedicator of cytokinesis 2; plus strand). Cytogenetic location: 5q35.1.
Variant type: single nucleotide variant.
Coding change: c.4977C>G on transcript NM_004946.3 (MANE Select); coding-DNA position 4977, C replaced by G.
Protein change: p.Ser1659Arg; replaces serine 1659 with arginine.
Molecular consequence: missense variant. On other transcripts: non-coding transcript variant (1).
Genome position (GRCh38, 1-based): chr5:170,077,820, C>G. VCF-style: chr5-170077820-C-G. GRCh37 (hg19) VCF-style: chr5-169504824-C-G.
Other names: short protein forms S1659R.
Identifiers: ClinVar variation 1367084 (VCV001367084.5), dbSNP rs779372773, ClinGen allele CA3554713.